The following is an entry in ClinVar:

ClinVar aggregate classification (germline): Uncertain significance. Review status: criteria provided, multiple submitters, no conflicts (2 of 4 stars). 2 submissions from 2 submitters: Uncertain significance (2). Last evaluated 2024-10-12.

Allele frequency attached by ClinVar (database versions not stated): gnomAD 0.00003 and 0.00005; TOPMed 0.00003; ExAC 0.00006; gnomAD exomes 0.00007; ESP Exome Variant Server 0.00023.
gnomAD v4.1: 93 of 1,612,840 alleles (0.0058%); highest among the groups gnomAD compares: East Asian, 0.0089%; no homozygotes.

Submissions (2):

Ambry Genetics
Classification: Uncertain significance. Last evaluated: 2024-10-12. Review status: criteria provided, single submitter. Criteria: Ambry Variant Classification Scheme 2023. Collection method: clinical testing. Allele origin: germline.

Labcorp Genetics (formerly Invitae), Labcorp
Classification: Uncertain significance. Last evaluated: 2022-10-24. Review status: criteria provided, single submitter. Criteria: Invitae Variant Classification Sherloc (09022015). Collection method: clinical testing. Allele origin: germline.
Comment: In summary, the available evidence is currently insufficient to determine the role of this variant in disease. Therefore, it has been classified as a Variant of Uncertain Significance. Algorithms developed to predict the effect of missense changes on protein structure and function are either unavailable or do not agree on the potential impact of this missense change (SIFT: "Deleterious"; PolyPhen-2: "Possibly Damaging"; Align-GVGD: "Class C0"). ClinVar contains an entry for this variant (Variation ID: 1525664). This variant has not been reported in the literature in individuals affected with DSCAML1-related conditions. This variant is present in population databases (rs143022518, gnomAD 0.02%). This sequence change replaces arginine, which is basic and polar, with cysteine, which is neutral and slightly polar, at codon 1977 of the DSCAML1 protein (p.Arg1977Cys).

NM_020693.4(DSCAML1):c.5749C>T (p.Arg1917Cys)

Gene: DSCAML1 (DS cell adhesion molecule like 1; minus strand). Cytogenetic location: 11q23.3.
Variant type: single nucleotide variant.
Coding change: c.5749C>T on transcript NM_020693.4 (MANE Select); coding-DNA position 5749, C replaced by T.
Protein change: p.Arg1917Cys; replaces arginine 1917 with cysteine.
Molecular consequence: missense variant.
Genome position (GRCh38, 1-based): chr11:117,428,741, G>A on the plus strand (C>T on the coding strand, the complement: DSCAML1 is on the minus strand). VCF-style: chr11-117428741-G-A. GRCh37 (hg19) VCF-style: chr11-117299457-G-A.
Other names: c.5929C>T (NM_020693.2); short protein forms R1917C.
Identifiers: ClinVar variation 1525664 (VCV001525664.7), dbSNP rs143022518, ClinGen allele CA6295979.